The following is an entry in ClinVar:

NM_001206927.2(DNAH8):c.6172G>A (p.Gly2058Arg)

Gene: DNAH8 (dynein axonemal heavy chain 8; plus strand). Cytogenetic location: 6p21.2.
Variant type: single nucleotide variant.
Coding change: c.6172G>A on transcript NM_001206927.2 (MANE Select); coding-DNA position 6172, G replaced by A.
Protein change: p.Gly2058Arg; replaces glycine 2058 with arginine.
Molecular consequence: missense variant.
Genome position (GRCh38, 1-based): chr6:38,862,320, G>A. VCF-style: chr6-38862320-G-A. GRCh37 (hg19) VCF-style: chr6-38830096-G-A.
Other names: c.6172G>A (NM_001206927.1); c.5521G>A, p.Gly1841Arg (NM_001371.4); short protein forms G1841R, G2058R.
Identifiers: ClinVar variation 1490317 (VCV001490317.9), dbSNP rs1413407899, ClinGen allele CA364022034.

ClinVar aggregate classification (germline): Uncertain significance. Review status: criteria provided, multiple submitters, no conflicts (2 of 4 stars). 2 submissions from 2 submitters: Uncertain significance (2). Last evaluated 2024-09-20.

Conditions:
Primary ciliary dyskinesia. Also called: Ciliary dyskinesia. Identifiers: Orphanet 244, MedGen C0008780, MONDO:0016575, HP:0012265.

Allele frequency attached by ClinVar (database versions not stated): gnomAD 0.00001; gnomAD exomes 0.00001; TOPMed 0.00001.
gnomAD v4.1: 6 of 1,613,952 alleles (0.00037%); highest among the groups gnomAD compares: South Asian, 0.0011%; no homozygotes.

Submissions (2):

Ambry Genetics
Classification: Uncertain significance. Last evaluated: 2024-09-20. Review status: criteria provided, single submitter. Criteria: Ambry Variant Classification Scheme 2023. Collection method: clinical testing. Allele origin: germline.

Labcorp Genetics (formerly Invitae), Labcorp
Classification: Uncertain significance for Primary ciliary dyskinesia. Last evaluated: 2021-02-25. Review status: criteria provided, single submitter. Criteria: Invitae Variant Classification Sherloc (09022015). Collection method: clinical testing. Allele origin: germline.
Comment: This sequence change replaces glycine with arginine at codon 2058 of the DNAH8 protein (p.Gly2058Arg). The glycine residue is highly conserved and there is a moderate physicochemical difference between glycine and arginine. This variant is not present in population databases (ExAC no frequency). This variant has not been reported in the literature in individuals with DNAH8-related conditions. Algorithms developed to predict the effect of missense changes on protein structure and function are either unavailable or do not agree on the potential impact of this missense change (SIFT: "Deleterious"; PolyPhen-2: "Not Available"; Align-GVGD: "Class C15"). In summary, the available evidence is currently insufficient to determine the role of this variant in disease. Therefore, it has been classified as a Variant of Uncertain Significance.